The following is an entry in ClinVar:

ClinVar aggregate classification (germline): Uncertain significance (1 of 4 stars; one submission).

Conditions:
VPS13B-related disorder. Also called: VPS13B-related condition.

Submission:

PreventionGenetics, part of Exact Sciences
Classification: Uncertain significance for VPS13B-related condition. Last evaluated: 2025-05-08. Review status: criteria provided, single submitter. Criteria: ACMG Guidelines, 2015. Collection method: clinical testing. Allele origin: germline.
Comment: The VPS13B c.11787C>A variant is predicted to result in the amino acid substitution p.Asn3929Lys. To our knowledge, this variant has not been reported in the literature or in a large population database (gnomAD), indicating this variant is rare. At this time, the clinical significance of this variant is uncertain due to the absence of conclusive functional and genetic evidence.

NM_152564.5(VPS13B):c.11787C>A (p.Asn3929Lys)

Gene: VPS13B (vacuolar protein sorting 13 homolog B; plus strand). Cytogenetic location: 8q22.2.
Variant type: single nucleotide variant.
Coding change: c.11787C>A on transcript NM_152564.5 (MANE Select); coding-DNA position 11787, C replaced by A.
Protein change: p.Asn3929Lys; replaces asparagine 3929 with lysine.
Molecular consequence: missense variant.
Genome position (GRCh38, 1-based): chr8:99,875,459, C>A. VCF-style: chr8-99875459-C-A. GRCh37 (hg19) VCF-style: chr8-100887687-C-A.
Other names: c.11862C>A, p.Asn3954Lys (NM_017890.5); short protein forms N3929K, N3954K.
Identifiers: ClinVar variation 4996918 (VCV004996918.1).